The following is an entry in ClinVar:

NC_000017.10:g.(?_14110107)_(14110530_?)del

Gene: COX10 (cytochrome c oxidase assembly factor heme A:farnesyltransferase COX10; plus strand). Cytogenetic location: 17p12.
Variant type: Deletion.
Identifiers: ClinVar variation 1432216 (VCV001432216.4).

ClinVar aggregate classification (germline): Uncertain significance (1 of 4 stars; one submission).

Submission:

Labcorp Genetics (formerly Invitae), Labcorp
Classification: Uncertain significance. Last evaluated: 2022-08-08. Review status: criteria provided, single submitter. Criteria: Invitae Variant Classification Sherloc (09022015). Collection method: clinical testing. Allele origin: germline.
Comment: This variant is a gross deletion of the genomic region encompassing exon(s) 7 of the COX10 gene, which includes the termination codon. This deletion extends beyond the assayed region for this gene and therefore may encompass additional genes. While this deletion is not anticipated to lead to nonsense mediated decay, it is expected to alter mRNA translation or result in a truncated protein product. This variant has not been reported in the literature in individuals affected with COX10-related conditions. Experimental studies and prediction algorithms are not available or were not evaluated, and the functional significance of this variant is currently unknown. In summary, the available evidence is currently insufficient to determine the role of this variant in disease. Therefore, it has been classified as a Variant of Uncertain Significance.